The following is an entry in ClinVar:

ClinVar aggregate classification (germline): Pathogenic (1 of 4 stars; one submission).

Conditions:
Deficiency of alpha-mannosidase (MANSA). Also called: LYSOSOMAL ALPHA-D-MANNOSIDASE DEFICIENCY; Alpha-Mannosidosis; Mannosidosis, alpha-, types I and II. Identifiers: Orphanet 61, MedGen C0024748, MONDO:0009561, OMIM 248500.

Submission:

Myriad Genetics, Inc.
Classification: Pathogenic for Deficiency of alpha-mannosidase. Last evaluated: 2025-10-25. Review status: criteria provided, single submitter. Criteria: Myriad Autosomal Dominant, Autosomal Recessive and X-Linked Classification Criteria (2023). Collection method: clinical testing. Allele origin: unknown.
Comment: NM_000528.3(MAN2B1):c.1407G>A(W469*) is expected to be pathogenic in the context of alpha-mannosidosis. This variant is predicted to lead to an abnormal or absent protein product due to the creation of a premature termination codon in MAN2B1, a gene where loss-of-function variants are known to be pathogenic. Please note: this variant was assessed in the context of healthy population screening.

NM_000528.4(MAN2B1):c.1407G>A (p.Trp469Ter)

Genes: MAN2B1 (mannosidase alpha class 2B member 1; minus strand), LOC129391064 (MPRA-validated peak3365 silencer; plus strand). Cytogenetic location: 19p13.13.
Variant type: single nucleotide variant.
Coding change: c.1407G>A on transcript NM_000528.4 (MANE Select); coding-DNA position 1407, G replaced by A.
Protein change: p.Trp469Ter; replaces tryptophan 469 with a stop codon.
Molecular consequence: nonsense.
Genome position (GRCh38, 1-based): chr19:12,657,458, C>T on the plus strand (G>A on the coding strand, the complement: MAN2B1 is on the minus strand). VCF-style: chr19-12657458-C-T. GRCh37 (hg19) VCF-style: chr19-12768272-C-T.
Other names: c.1404G>A, p.Trp468Ter (NM_001173498.2); c.1410G>A, p.Trp470Ter (NM_001440570.1); short protein forms W468*, W469*, W470*.
Identifiers: ClinVar variation 5015142 (VCV005015142.1).
Genomic context (GRCh38, chr19:12,657,458, plus strand): 5'-CCCCTTCCTGTCTCCACCCCCGTGTCTCCCAAGTCTCGCCCCGCGCACCTCGCAAGGCCC[C>T]CAGCCTGCCGCAAGCTGGCGCGCGTAGTCGTTGGCCACGTGCTGGCGGGAGGTGCCGCTG-3'